The following is an entry in ClinVar:

ClinVar aggregate classification (germline): Uncertain significance (1 of 4 stars; one submission).

Submission:

Labcorp Genetics (formerly Invitae), Labcorp
Classification: Uncertain significance. Last evaluated: 2025-06-09. Review status: criteria provided, single submitter. Criteria: Invitae Variant Classification Sherloc (09022015). Collection method: clinical testing. Allele origin: germline.
Comment: This sequence change replaces glycine, which is neutral and non-polar, with arginine, which is basic and polar, at codon 134 of the CLCN7 protein (p.Gly134Arg). This variant is not present in population databases (gnomAD no frequency). This variant has not been reported in the literature in individuals affected with CLCN7-related conditions. ClinVar contains an entry for this variant (Variation ID: 2694939). Invitae Evidence Modeling of protein sequence and biophysical properties (such as structural, functional, and spatial information, amino acid conservation, physicochemical variation, residue mobility, and thermodynamic stability) indicates that this missense variant is expected to disrupt CLCN7 protein function with a positive predictive value of 95%. In summary, the available evidence is currently insufficient to determine the role of this variant in disease. Therefore, it has been classified as a Variant of Uncertain Significance.

NM_001287.6(CLCN7):c.400G>A (p.Gly134Arg)

Gene: CLCN7 (Cl-/H+ antiporter 7; minus strand). Cytogenetic location: 16p13.3.
Variant type: single nucleotide variant.
Coding change: c.400G>A on transcript NM_001287.6 (MANE Select); coding-DNA position 400, G replaced by A.
Protein change: p.Gly134Arg; replaces glycine 134 with arginine.
Molecular consequence: missense variant.
Genome position (GRCh38, 1-based): chr16:1,460,900, C>T on the plus strand (G>A on the coding strand, the complement: CLCN7 is on the minus strand). VCF-style: chr16-1460900-C-T. GRCh37 (hg19) VCF-style: chr16-1510901-C-T.
Other names: c.328G>A, p.Gly110Arg (NM_001114331.3); short protein forms G110R, G134R.
Identifiers: ClinVar variation 2694939 (VCV002694939.3), dbSNP rs2505845604, ClinGen allele CA394192614.
Genomic context (GRCh38, chr16:1,460,900, plus strand): 5'-GGCCAGCCAGGTTTTCCACCACGATGTCAATGAAGCAGGCCACGAGGCCCGTGAGGATCC[C>T]AATGAGGGCGCAGATGACCCAGCGCTTGATCTCCACCGTCCGGAAGGCCTGCAGGGCGCG-3'
Protein context (NP_001278.1, residues 124-144): IKRWVICALI[Gly134Arg]ILTGLVACFI